The following is an entry in ClinVar:

NM_199420.4(POLQ):c.451A>G (p.Lys151Glu)

Gene: POLQ (DNA polymerase theta; minus strand). Cytogenetic location: 3q13.33.
Variant type: single nucleotide variant.
Coding change: c.451A>G on transcript NM_199420.4 (MANE Select); coding-DNA position 451, A replaced by G.
Protein change: p.Lys151Glu; replaces lysine 151 with glutamic acid.
Molecular consequence: missense variant.
Genome position (GRCh38, 1-based): chr3:121,541,372, T>C on the plus strand (A>G on the coding strand, the complement: POLQ is on the minus strand). VCF-style: chr3-121541372-T-C. GRCh37 (hg19) VCF-style: chr3-121260219-T-C.
Other names: short protein forms K151E.
Identifiers: ClinVar variation 3422336 (VCV003422336.1).

ClinVar aggregate classification (germline): Uncertain significance (1 of 4 stars; one submission).

Submission:

Ambry Genetics
Classification: Uncertain significance. Last evaluated: 2024-07-01. Review status: criteria provided, single submitter. Criteria: Ambry Variant Classification Scheme 2023. Collection method: clinical testing. Allele origin: germline.
Comment: The p.K151E variant (also known as c.451A>G), located in coding exon 3 of the POLQ gene, results from an A to G substitution at nucleotide position 451. The lysine at codon 151 is replaced by glutamic acid, an amino acid with similar properties. This amino acid position is conserved. In addition, this alteration is predicted to be tolerated by in silico analysis. Based on the available evidence, the clinical significance of this variant remains unclear.